The following is an entry in ClinVar:

NM_032444.4(SLX4):c.1846G>A (p.Val616Met)

Gene: SLX4 (SLX4 structure-specific endonuclease subunit; minus strand). Cytogenetic location: 16p13.3.
Variant type: single nucleotide variant.
Coding change: c.1846G>A on transcript NM_032444.4 (MANE Select); coding-DNA position 1846, G replaced by A.
Protein change: p.Val616Met; replaces valine 616 with methionine.
Molecular consequence: missense variant.
Genome position (GRCh38, 1-based): chr16:3,596,231, C>T on the plus strand (G>A on the coding strand, the complement: SLX4 is on the minus strand). VCF-style: chr16-3596231-C-T. GRCh37 (hg19) VCF-style: chr16-3646232-C-T.
Other names: short protein forms V616M.
Identifiers: ClinVar variation 1004496 (VCV001004496.24), dbSNP rs199863797, ClinGen allele CA7866399.

ClinVar aggregate classification (germline): Uncertain significance. Review status: criteria provided, multiple submitters, no conflicts (2 of 4 stars). 4 submissions from 4 submitters: Uncertain significance (4). Last evaluated 2025-01-01.

Conditions:
Fanconi anemia (FA). Also called: Fanconi's anemia. Identifiers: Orphanet 84, MedGen C0015625, MeSH D005199, MONDO:0019391.
Fanconi anemia complementation group P. Also called: SLX4-Related Fanconi Anemia. Identifiers: Orphanet 84, MedGen C3469542, MONDO:0013499, OMIM 613951.

Allele frequency attached by ClinVar (database versions not stated): gnomAD exomes 0.00003; gnomAD 0.00004 and 0.00003; TOPMed 0.00006; ExAC below 0.00001.
gnomAD v4.1: 48 of 1,551,950 alleles (0.0031%); highest among the groups gnomAD compares: Admixed American, 0.0058%; no homozygotes.

Submissions (4):

CeGaT Center for Human Genetics Tuebingen
Classification: Uncertain significance. Last evaluated: 2025-01-01. Review status: criteria provided, single submitter. Criteria: CeGaT Center For Human Genetics Tuebingen Variant Classification Criteria Version 2. Collection method: clinical testing. Allele origin: germline. Affected: yes. Observed: 2 variant alleles.
Comment: SLX4: PM2, BP4

Fulgent Genetics
Classification: Uncertain significance for Fanconi anemia complementation group P. Last evaluated: 2024-06-22. Review status: criteria provided, single submitter. Criteria: ACMG Guidelines, 2015. Collection method: clinical testing. Allele origin: germline.

Labcorp Genetics (formerly Invitae), Labcorp
Classification: Uncertain significance for Fanconi anemia. Last evaluated: 2023-08-10. Review status: criteria provided, single submitter. Criteria: Invitae Variant Classification Sherloc (09022015). Collection method: clinical testing. Allele origin: germline.
Comment: In summary, the available evidence is currently insufficient to determine the role of this variant in disease. Therefore, it has been classified as a Variant of Uncertain Significance. Algorithms developed to predict the effect of missense changes on protein structure and function output the following: SIFT: "Not Available"; PolyPhen-2: "Benign"; Align-GVGD: "Not Available". The methionine amino acid residue is found in multiple mammalian species, which suggests that this missense change does not adversely affect protein function. ClinVar contains an entry for this variant (Variation ID: 1004496). This missense change has been observed in individual(s) with breast cancer (PMID: 22401137). The frequency data for this variant in the population databases is considered unreliable, as metrics indicate poor data quality at this position in the gnomAD database. This sequence change replaces valine, which is neutral and non-polar, with methionine, which is neutral and non-polar, at codon 616 of the SLX4 protein (p.Val616Met).

Institute for Clinical Genetics, University Hospital TU Dresden, University Hospital TU Dresden
Classification: Uncertain significance. Last evaluated: 2021-11-03. Review status: criteria provided, single submitter. Criteria: ACMG Guidelines, 2015. Collection method: clinical testing. Allele origin: germline.

Literature cited by the submitters: PubMed 22401137 (cited by Labcorp Genetics (formerly Invitae), Labcorp).